The following is an entry in ClinVar:

ClinVar aggregate classification (germline): Pathogenic/Likely pathogenic. Review status: criteria provided, multiple submitters, no conflicts (2 of 4 stars). 4 submissions from 4 submitters: Pathogenic (3); Likely pathogenic (1). Last evaluated 2022-08-09.

Conditions:
RYR1-related disorder. Also called: RYR1-related condition; RYR1-related disorders. Identifiers: MedGen CN239331.

Submissions (4):

Labcorp Genetics (formerly Invitae), Labcorp
Classification: Pathogenic for RYR1-related disorder. Last evaluated: 2022-08-09. Review status: criteria provided, single submitter. Criteria: Invitae Variant Classification Sherloc (09022015). Collection method: clinical testing. Allele origin: germline.
Comment: For these reasons, this variant has been classified as Pathogenic. This sequence change creates a premature translational stop signal (p.Cys1268Leufs*63) in the RYR1 gene. It is expected to result in an absent or disrupted protein product. Loss-of-function variants in RYR1 are known to be pathogenic (PMID: 20583297, 20839240, 23919265, 28818389). This variant is not present in population databases (gnomAD no frequency). This variant has not been reported in the literature in individuals affected with RYR1-related conditions. ClinVar contains an entry for this variant (Variation ID: 159844).

Revvity Omics, Revvity
Classification: Pathogenic. Last evaluated: 2020-02-12. Review status: criteria provided, single submitter. Criteria: ACMG Guidelines, 2015. Collection method: clinical testing. Allele origin: germline.

GeneDx
Classification: Pathogenic. Last evaluated: 2017-07-12. Review status: criteria provided, single submitter. Criteria: GeneDx Variant Classification (06012015). Collection method: clinical testing. Allele origin: germline. Affected: yes.
Comment: The c.3801dupC variant in the RYR1 gene has not been reported previously as a pathogenic variant nor as a benign variant, to our knowledge. The c.3801dupC variant causes a frameshift starting with codon Cysteine 1268, changes this amino acid to a Leucine residue, and creates a premature Stop codon at position 63 of the new reading frame, denoted p.Cys1268LeufsX63. This variant is predicted to cause loss of normal protein function either through protein truncation or nonsense-mediated mRNA decay. The c.3801dupC variant is not observed in large population cohorts (Lek et al., 2016; 1000 Genomes Consortium et al., 2015; Exome Variant Server). We interpret c.3801dupC as a pathogenic variant.

Genetic Services Laboratory, University of Chicago
Classification: Likely pathogenic. Last evaluated: 2014-06-26. Review status: criteria provided, single submitter. Criteria: ACMG Guidelines, 2015. Collection method: clinical testing. Allele origin: germline. Inheritance: Autosomal unknown. Affected: yes.

Literature cited by the submitters: PubMed 20583297 (cited by Labcorp Genetics (formerly Invitae), Labcorp); PubMed 20839240 (cited by Labcorp Genetics (formerly Invitae), Labcorp); PubMed 23919265 (cited by Labcorp Genetics (formerly Invitae), Labcorp); PubMed 28818389 (cited by Labcorp Genetics (formerly Invitae), Labcorp).

NM_000540.3(RYR1):c.3801dup (p.Cys1268fs)

Gene: RYR1 (ryanodine receptor 1; plus strand). Cytogenetic location: 19q13.2.
Variant type: Duplication.
Coding change: c.3801dup on transcript NM_000540.3 (MANE Select); coding-DNA position 3801, one base duplicated (C; older notation c.3801dupC).
Protein change: p.Cys1268fs; shifts the reading frame from cysteine 1268.
Molecular consequence: frameshift variant.
Genome position (GRCh38, 1-based): chr19:38,473,412, C duplicated; the last of 6 consecutive C bases (chr19:38,473,407-38,473,412); duplicating any one gives the same sequence. VCF-style (leftmost placement, unchanged base first): chr19-38473406-G-GC. GRCh37 (hg19) VCF-style: chr19-38964046-G-GC.
Other names: c.3801dup, p.Cys1268fs (NM_001042723.2); c.3801dupC (NM_000540.2); short protein forms C1268fs.
Identifiers: ClinVar variation 159844 (VCV000159844.17), dbSNP rs587784374, ClinGen allele CA233323.
Genomic context (GRCh38, chr19:38,473,406, plus strand): 5'-CAGCCCAGTACTCCATTCCCTGCCACCTCAGGTATCCCGAGTGGACGGCACTGTGGACAC[G>GC]CCCCCCTGCCTGCGCCTGACCCACCGCACCTGGGGCTCCCAGAACAGCCTGGTGGAGATG-3'